The following is an entry in ClinVar:

ClinVar aggregate classification (germline): Benign/Likely benign. Review status: criteria provided, multiple submitters, no conflicts (2 of 4 stars). 10 submissions from 10 submitters: Benign (2); Likely benign (6). 2 of the submissions do not count toward it. Last evaluated 2026-03-01.

Conditions:
Inborn genetic diseases. Identifiers: MedGen C0950123, MeSH D030342.
Knobloch syndrome (KNO). Also called: Myopia retinal detachment encephalocele; RETINAL DETACHMENT AND OCCIPITAL ENCEPHALOCELE. Identifiers: Orphanet 1571, MedGen C1849409, MONDO:0800166.

Allele frequency attached by ClinVar (database versions not stated): 1000 Genomes Project 30x 0.00156; 1000 Genomes Project 0.00180; gnomAD 0.00263 and 0.00273; ESP Exome Variant Server 0.00265; TOPMed 0.00290.
gnomAD v4.1: 4,030 of 1,614,160 alleles (0.25%); highest among the groups gnomAD compares: Middle Eastern, 1.2%; 18 homozygotes.

Submissions (10):

CeGaT Center for Human Genetics Tuebingen
Classification: Likely benign. Last evaluated: 2026-03-01. Review status: criteria provided, single submitter. Criteria: CeGaT Center For Human Genetics Tuebingen Variant Classification Criteria Version 2. Collection method: clinical testing. Allele origin: germline. Affected: yes. Observed: 3 variant alleles.
Comment: COL18A1: BP4, BS2

Labcorp Genetics (formerly Invitae), Labcorp
Classification: Benign. Last evaluated: 2026-02-02. Review status: criteria provided, single submitter. Criteria: Invitae Variant Classification Sherloc (09022015). Collection method: clinical testing. Allele origin: germline.

Genomic Medicine Center of Excellence, King Faisal Specialist Hospital and Research Centre
Classification: Likely benign. Last evaluated: 2025-08-18. Review status: criteria provided, single submitter. Criteria: ACMG Guidelines, 2015. Collection method: clinical testing. Allele origin: germline.

Blueprint Genetics
Classification: Likely benign. Last evaluated: 2024-11-27. Review status: criteria provided, single submitter. Criteria: ACMG Guidelines, 2015. Collection method: clinical testing. Allele origin: germline.

Ambry Genetics
Classification: Likely benign for Inborn genetic diseases. Last evaluated: 2022-01-21. Review status: criteria provided, single submitter. Criteria: Ambry Variant Classification Scheme 2023. Collection method: clinical testing. Allele origin: germline.

Illumina Laboratory Services, Illumina
Classification: Likely benign for Knobloch syndrome 1. Last evaluated: 2018-01-13. Review status: criteria provided, single submitter. Criteria: ICSL Variant Classification Criteria 13 December 2019. Collection method: clinical testing. Allele origin: germline.
Comment: This variant was observed in the ICSL laboratory as part of a predisposition screen in an ostensibly healthy population. It had not been previously curated by ICSL or reported in the Human Gene Mutation Database (HGMD: prior to June 1st, 2018), and was therefore a candidate for classification through an automated scoring system. Utilizing variant allele frequency, disease prevalence and penetrance estimates, and inheritance mode, an automated score was calculated to assess if this variant is too frequent to cause the disease. Based on the score and internal cut-off values, a variant classified as likely benign is not then subjected to further curation. The score for this variant resulted in a classification of likely benign for this disease.

Breakthrough Genomics
Classification: Likely benign. Review status: criteria provided, single submitter. Criteria: ACMG Guidelines, 2015. Collection method: not provided. Allele origin: germline. Inheritance: Autosomal recessive inheritance. Affected: yes.

PreventionGenetics, part of Exact Sciences
Classification: Benign. Review status: criteria provided, single submitter. Criteria: ACMG Guidelines, 2015. Collection method: clinical testing. Allele origin: germline.

Clinical Genetics, Academic Medical Center
Classification: Benign. Review status: no assertion criteria provided. Collection method: clinical testing. Allele origin: germline. Affected: yes. Study: VKGL Data-share Consensus. Not counted in ClinVar's aggregate classification.

Laboratory of Diagnostic Genome Analysis, Leiden University Medical Center (LUMC)
Classification: Likely benign. Review status: no assertion criteria provided. Collection method: clinical testing. Allele origin: germline. Affected: yes. Study: VKGL Data-share Consensus. Not counted in ClinVar's aggregate classification.

NM_001379500.1(COL18A1):c.1675-6G>A

Gene: COL18A1 (collagen type XVIII alpha 1 chain; plus strand). Cytogenetic location: 21q22.3.
Variant type: single nucleotide variant.
Coding change: c.1675-6G>A on transcript NM_001379500.1 (MANE Select); 6 bases into the intron before coding-DNA position 1675, G replaced by A.
Molecular consequence: intron variant.
Genome position (GRCh38, 1-based): chr21:45,482,789, G>A. VCF-style: chr21-45482789-G-A. GRCh37 (hg19) VCF-style: chr21-46902703-G-A.
Other names: NM_130445.2:c.1675-6G>A; c.2920-6G>A (NM_130444.3); c.2215-6G>A (NM_030582.4).
Identifiers: ClinVar variation 261893 (VCV000261893.36), dbSNP rs142726108, ClinGen allele CA10066503.